The following is an entry in ClinVar:

ClinVar aggregate classification (germline): Likely benign (1 of 4 stars; one submission).

Submission:

CeGaT Center for Human Genetics Tuebingen
Classification: Likely benign. Last evaluated: 2026-05-01. Review status: criteria provided, single submitter. Criteria: CeGaT Center For Human Genetics Tuebingen Variant Classification Criteria Version 2. Collection method: clinical testing. Allele origin: germline. Affected: yes. Observed: 1 variant allele.
Comment: TCF15: PM2:Supporting, BP4, BP7

NM_004609.4(TCF15):c.84C>G (p.Arg28=)

Gene: TCF15 (transcription factor 15; minus strand). Cytogenetic location: 20p13.
Variant type: single nucleotide variant.
Coding change: c.84C>G on transcript NM_004609.4 (MANE Select); coding-DNA position 84, C replaced by G.
Protein change: p.Arg28=; no amino-acid change (arginine 28 retained).
Molecular consequence: synonymous variant.
Genome position (GRCh38, 1-based): chr20:610,154, G>C on the plus strand (C>G on the coding strand, the complement: TCF15 is on the minus strand). VCF-style: chr20-610154-G-C. GRCh37 (hg19) VCF-style: chr20-590798-G-C.
Identifiers: ClinVar variation 4872826 (VCV004872826.2).